The following is an entry in ClinVar:

NM_173354.5(SIK1):c.1848C>T (p.Pro616=)

Gene: SIK1 (salt inducible kinase 1; minus strand). Cytogenetic location: 21q22.3.
Variant type: single nucleotide variant.
Coding change: c.1848C>T on transcript NM_173354.5 (MANE Select); coding-DNA position 1848, C replaced by T.
Protein change: p.Pro616=; no amino-acid change (proline 616 retained).
Molecular consequence: synonymous variant.
Genome position (GRCh38, 1-based): chr21:43,417,671, G>A on the plus strand (C>T on the coding strand, the complement: SIK1 is on the minus strand). VCF-style: chr21-43417671-G-A. GRCh37 (hg19) VCF-style: chr21-44837551-G-A.
Other names: p.Pro616=.
Identifiers: ClinVar variation 586586 (VCV000586586.24), dbSNP rs430552, ClinGen allele CA321324932.

ClinVar aggregate classification (germline): Benign. Review status: criteria provided, multiple submitters, no conflicts (2 of 4 stars). 9 submissions from 9 submitters: Benign (9). Last evaluated 2026-02-04.

Conditions:
Inborn genetic diseases. Identifiers: MedGen C0950123, MeSH D030342.
Developmental and epileptic encephalopathy, 30 (DEE30). Also called: Epileptic encephalopathy, early infantile, 30. Identifiers: MedGen C4225360, MONDO:0014595, OMIM 616341.

Allele frequency attached by ClinVar (database versions not stated): ESP Exome Variant Server 0.72414; 1000 Genomes Project 0.72544; gnomAD 0.73160; gnomAD exomes 0.79999; ExAC 0.80005.

Submissions (9):

Labcorp Genetics (formerly Invitae), Labcorp
Classification: Benign for Developmental and epileptic encephalopathy, 30. Last evaluated: 2026-02-04. Review status: criteria provided, single submitter. Criteria: Invitae Variant Classification Sherloc (09022015). Collection method: clinical testing. Allele origin: germline.

Blueprint Genetics
Classification: Benign. Last evaluated: 2024-11-28. Review status: criteria provided, single submitter. Criteria: ACMG Guidelines, 2015. Collection method: clinical testing. Allele origin: germline.

Unidad de Genómica Garrahan, Hospital de Pediatría Garrahan
Classification: Benign. Last evaluated: 2024-07-31. Review status: criteria provided, single submitter. Criteria: ACMG Guidelines, 2015. Collection method: clinical testing. Allele origin: germline. Affected: no. Observed: 90 variant alleles.
Comment: This variant is classified as Benign based on local population frequency. This variant was detected in 97% of patients studied in a panel designed for Epileptic and Developmental Encephalopathy, Progressive Myoclonus Epilepsy and Abnormal Movements and Neurodegeneration with brain iron accumulation. Number of patients: 90. Only high quality variants are reported.

Genome-Nilou Lab
Classification: Benign for Developmental and epileptic encephalopathy, 30. Last evaluated: 2021-07-15. Review status: criteria provided, single submitter. Criteria: ACMG Guidelines, 2015. Collection method: clinical testing. Allele origin: germline. Affected: no.

GeneDx
Classification: Benign. Last evaluated: 2018-07-30. Review status: criteria provided, single submitter. Criteria: GeneDx Variant Classification Process June 2021. Collection method: clinical testing. Allele origin: germline. Affected: yes.

Mayo Clinic Laboratories, Mayo Clinic
Classification: Benign. Last evaluated: 2018-04-02. Review status: criteria provided, single submitter. Criteria: ACMG Guidelines, 2015. Collection method: clinical testing. Allele origin: germline. Observed: 509 variant alleles.

Athena Diagnostics
Classification: Benign. Last evaluated: 2017-04-20. Review status: criteria provided, single submitter. Criteria: Athena Diagnostics Criteria. Collection method: clinical testing. Allele origin: germline.

Ambry Genetics
Classification: Benign for Inborn genetic diseases. Last evaluated: 2015-12-31. Review status: criteria provided, single submitter. Criteria: Ambry Variant Classification Scheme 2023. Collection method: clinical testing. Allele origin: germline.

Breakthrough Genomics
Classification: Benign. Review status: criteria provided, single submitter. Criteria: ACMG Guidelines, 2015. Collection method: not provided. Allele origin: germline. Inheritance: Autosomal dominant inheritance. Affected: yes.